The following is an entry in ClinVar:

ClinVar aggregate classification (germline): Benign/Likely benign. Review status: criteria provided, multiple submitters, no conflicts (2 of 4 stars). 3 submissions from 3 submitters: Benign (2); Likely benign (1). Last evaluated 2024-11-13.

Allele frequency attached by ClinVar (database versions not stated): gnomAD exomes 0.00131 and 0.00345; ExAC 0.00623; gnomAD 0.01422 and 0.01523; TOPMed 0.01609; ESP Exome Variant Server 0.01664; 1000 Genomes Project 0.01695; 1000 Genomes Project 30x 0.01811.
gnomAD v4.1: 4,147 of 1,606,370 alleles (0.26%); highest among the groups gnomAD compares: African/African-American, 5.1%; 105 homozygotes.

Submissions (3):

Blueprint Genetics
Classification: Likely benign. Last evaluated: 2024-11-13. Review status: criteria provided, single submitter. Criteria: ACMG Guidelines, 2015. Collection method: clinical testing. Allele origin: germline.

GeneDx
Classification: Benign. Last evaluated: 2019-10-12. Review status: criteria provided, single submitter. Criteria: GeneDx Variant Classification Process June 2021. Collection method: clinical testing. Allele origin: germline. Affected: yes.

Laboratory for Molecular Medicine, Mass General Brigham Personalized Medicine
Classification: Benign. Last evaluated: 2013-02-21. Review status: criteria provided, single submitter. Criteria: LMM Criteria. Collection method: clinical testing. Allele origin: germline. Observed: 1 variant allele.
Comment: Gly385Ser in exon 13B of CSF2RA: This variant is not expected to have clinical s ignificance because it has been identified in 5.5% (76/1384) of African American chromosomes from a broad population by the NHLBI Exome Sequencing Project (dbSNP rs147124116).

NM_172245.4(CSF2RA):c.1125+128G>A

Gene: CSF2RA (colony stimulating factor 2 receptor subunit alpha; plus strand). Cytogenetic location: Xp22.33.
Variant type: single nucleotide variant.
Coding change: c.1125+128G>A on transcript NM_172245.4 (MANE Select); 128 bases into the intron after coding-DNA position 1125, G replaced by A.
Molecular consequence: intron variant. On other transcripts: missense variant (2).
Genome position (GRCh38, 1-based): chrX:1,305,655, G>A. VCF-style: chrX-1305655-G-A. GRCh37 (hg19) VCF-style: chrX-1424548-G-A.
Other names: c.1153G>A, p.Gly385Ser (NM_001161531.2, NM_001379155.1); c.1125+128G>A (NM_001379163.1, NM_001379159.1, NM_001379162.1 and 7 more transcripts); c.*26+128G>A (NM_001379167.1, NM_001379169.1, NM_172249.4 and 2 more transcripts); c.1227+128G>A (NM_001379154.1, NM_001161530.2, NM_001379153.1); c.947-3747G>A (NM_172246.4); c.1095+128G>A (NM_001379160.1); c.936+128G>A (NM_001379166.1); c.726+128G>A (NM_001161532.2); short protein forms G385S.
Identifiers: ClinVar variation 178718 (VCV000178718.7), dbSNP rs147124116, ClinGen allele CA182874.
Genomic context (GRCh38, chrX:1,305,655, plus strand): 5'-CTCTGGGTGTCGACCATCTTGCTTCTCCACCAGATGGGACCGCAGCGTCACCACCGGTGT[G>A]GCTGGAATCTGTATCCCACTCCTGGGCCTTCTCCCGGGTCGGGGTCTTCTCCAAGGTTGG-3'